The following is an entry in ClinVar:

ClinVar aggregate classification (germline): Uncertain significance (1 of 4 stars; one submission).

Allele frequency attached by ClinVar (database versions not stated): gnomAD exomes below 0.00001; TOPMed below 0.00001.
gnomAD v4.1: 1 of 1,574,538 alleles (0.000064%); highest among the groups gnomAD compares: Non-Finnish European, 0.000087%; no homozygotes.

Submission:

Labcorp Genetics (formerly Invitae), Labcorp
Classification: Uncertain significance. Last evaluated: 2023-12-03. Review status: criteria provided, single submitter. Criteria: Invitae Variant Classification Sherloc (09022015). Collection method: clinical testing. Allele origin: germline.
Comment: This sequence change replaces glutamic acid, which is acidic and polar, with aspartic acid, which is acidic and polar, at codon 1650 of the ROBO1 protein (p.Glu1650Asp). This variant is not present in population databases (gnomAD no frequency). This variant has not been reported in the literature in individuals affected with ROBO1-related conditions. Advanced modeling of protein sequence and biophysical properties (such as structural, functional, and spatial information, amino acid conservation, physicochemical variation, residue mobility, and thermodynamic stability) performed at Invitae indicates that this missense variant is not expected to disrupt ROBO1 protein function with a negative predictive value of 95%. In summary, the available evidence is currently insufficient to determine the role of this variant in disease. Therefore, it has been classified as a Variant of Uncertain Significance.

NM_002941.4(ROBO1):c.4950A>T (p.Glu1650Asp)

Gene: ROBO1 (roundabout guidance receptor 1; minus strand). Cytogenetic location: 3p12.3.
Variant type: single nucleotide variant.
Coding change: c.4950A>T on transcript NM_002941.4 (MANE Select); coding-DNA position 4950, A replaced by T.
Protein change: p.Glu1650Asp; replaces glutamic acid 1650 with aspartic acid.
Molecular consequence: missense variant.
Genome position (GRCh38, 1-based): chr3:78,598,919, T>A on the plus strand (A>T on the coding strand, the complement: ROBO1 is on the minus strand). VCF-style: chr3-78598919-T-A. GRCh37 (hg19) VCF-style: chr3-78648069-T-A.
Other names: c.4815A>T, p.Glu1605Asp (NM_001145844.1, NM_133631.4); c.4650A>T, p.Glu1550Asp (NM_001145845.2); short protein forms E1650D, E1550D, E1605D.
Identifiers: ClinVar variation 2808190 (VCV002808190.3), dbSNP rs1250596351, ClinGen allele CA353682666.